The following is an entry in ClinVar:

NM_000153.4(GALC):c.265-3C>G

Gene: GALC (galactosylceramidase; minus strand). Cytogenetic location: 14q31.3.
Variant type: single nucleotide variant.
Coding change: c.265-3C>G on transcript NM_000153.4 (MANE Select); 3 bases into the intron before coding-DNA position 265, C replaced by G.
Molecular consequence: intron variant.
Genome position (GRCh38, 1-based): chr14:87,988,210, G>C on the plus strand (C>G on the coding strand, the complement: GALC is on the minus strand). VCF-style: chr14-87988210-G-C. GRCh37 (hg19) VCF-style: chr14-88454554-G-C.
Other names: c.187-3C>G (NM_001201402.2); c.196-3C>G (NM_001201401.2).
Identifiers: ClinVar variation 2011994 (VCV002011994.4), dbSNP rs2503526833, ClinGen allele CA2580088863.

ClinVar aggregate classification (germline): Uncertain significance (1 of 4 stars; one submission).

Conditions:
Galactosylceramide beta-galactosidase deficiency. Also called: GALACTOCEREBROSIDASE DEFICIENCY; GALC DEFICIENCY; GLOBOID CELL LEUKOENCEPHALOPATHY; Krabbe Disease; Leukodystrophy, Globoid Cell. Identifiers: Orphanet 487, MedGen C0023521, MONDO:0009499, OMIM 245200.

Submission:

Labcorp Genetics (formerly Invitae), Labcorp
Classification: Uncertain significance for Galactosylceramide beta-galactosidase deficiency. Last evaluated: 2022-09-13. Review status: criteria provided, single submitter. Criteria: Invitae Variant Classification Sherloc (09022015). Collection method: clinical testing. Allele origin: germline.
Comment: This sequence change falls in intron 2 of the GALC gene. It does not directly change the encoded amino acid sequence of the GALC protein. It affects a nucleotide within the consensus splice site. This variant is not present in population databases (gnomAD no frequency). This variant has not been reported in the literature in individuals affected with GALC-related conditions. Variants that disrupt the consensus splice site are a relatively common cause of aberrant splicing (PMID: 17576681, 9536098). Algorithms developed to predict the effect of sequence changes on RNA splicing suggest that this variant may disrupt the consensus splice site. In summary, the available evidence is currently insufficient to determine the role of this variant in disease. Therefore, it has been classified as a Variant of Uncertain Significance.

Literature cited by the submitters: PubMed 17576681; PubMed 9536098.